The following is an entry in ClinVar:

NM_006445.4(PRPF8):c.434+3G>A

Gene: PRPF8 (pre-mRNA processing factor 8; minus strand). Cytogenetic location: 17p13.3.
Variant type: single nucleotide variant.
Coding change: c.434+3G>A on transcript NM_006445.4 (MANE Select); 3 bases into the intron after coding-DNA position 434, G replaced by A.
Molecular consequence: intron variant.
Genome position (GRCh38, 1-based): chr17:1,682,126, C>T on the plus strand (G>A on the coding strand, the complement: PRPF8 is on the minus strand). VCF-style: chr17-1682126-C-T. GRCh37 (hg19) VCF-style: chr17-1585420-C-T.
Identifiers: ClinVar variation 940680 (VCV000940680.7), dbSNP rs372997528, ClinGen allele CA8272637.

ClinVar aggregate classification (germline): Uncertain significance (1 of 4 stars; one submission).

Allele frequency attached by ClinVar (database versions not stated): gnomAD exomes 0.00001 and 0.00002; ExAC 0.00002; TOPMed 0.00004; gnomAD 0.00005; ESP Exome Variant Server 0.00008.
gnomAD v4.1: 23 of 1,613,956 alleles (0.0014%); highest among the groups gnomAD compares: Admixed American, 0.01%; no homozygotes.

Submission:

Labcorp Genetics (formerly Invitae), Labcorp
Classification: Uncertain significance. Last evaluated: 2025-08-07. Review status: criteria provided, single submitter. Criteria: Invitae Variant Classification Sherloc (09022015). Collection method: clinical testing. Allele origin: germline.
Comment: This sequence change falls in intron 4 of the PRPF8 gene. It does not directly change the encoded amino acid sequence of the PRPF8 protein. It affects a nucleotide within the consensus splice site. This variant is present in population databases (rs372997528, gnomAD 0.009%). This variant has been observed in individual(s) with retinitis pigmentosa (PMID: 34996991). ClinVar contains an entry for this variant (Variation ID: 940680). Variants that disrupt the consensus splice site are a relatively common cause of aberrant splicing (PMID: 17576681, 9536098). Studies have shown that this variant does not affect mRNA splicing (PMID: 34996991). In summary, the available evidence is currently insufficient to determine the role of this variant in disease. Therefore, it has been classified as a Variant of Uncertain Significance.

Literature cited by the submitters: PubMed 34996991; PubMed 17576681; PubMed 9536098.